The following is an entry in ClinVar:

NM_031935.3(HMCN1):c.13528G>A (p.Val4510Ile)

Gene: HMCN1 (hemicentin 1; plus strand). Cytogenetic location: 1q31.1.
Variant type: single nucleotide variant.
Coding change: c.13528G>A on transcript NM_031935.3 (MANE Select); coding-DNA position 13528, G replaced by A.
Protein change: p.Val4510Ile; replaces valine 4510 with isoleucine.
Molecular consequence: missense variant.
Genome position (GRCh38, 1-based): chr1:186,136,883, G>A. VCF-style: chr1-186136883-G-A. GRCh37 (hg19) VCF-style: chr1-186106015-G-A.
Other names: c.13528G>A (NM_031935.2); short protein forms V4510I.
Identifiers: ClinVar variation 2092559 (VCV002092559.5), dbSNP rs184207567, ClinGen allele CA1294672.
Genomic context (GRCh38, chr1:186,136,883, plus strand): 5'-TCCAACAACTCATTATATATTGCTGATGCTCAGAAAGAAGATACCTCTGAATTTGAATGT[G>A]TTGCTCGAAACTTAATGGGTTCTGTCCTTGTCAGAGTGCCAGTCATAGTCCAGGGTGAGT-3'
Protein context (NP_114141.2, residues 4500-4520): QKEDTSEFEC[Val4510Ile]ARNLMGSVLV

ClinVar aggregate classification (germline): Uncertain significance. Review status: criteria provided, multiple submitters, no conflicts (2 of 4 stars). 2 submissions from 2 submitters: Uncertain significance (2). Last evaluated 2025-11-12.

Allele frequency attached by ClinVar (database versions not stated): TOPMed 0.00001; ExAC 0.00002; gnomAD 0.00002; 1000 Genomes Project 30x 0.00016; 1000 Genomes Project 0.00020.
gnomAD v4.1: 5 of 1,614,038 alleles (0.00031%); highest among the groups gnomAD compares: African/African-American, 0.0067%; no homozygotes.

Submissions (2):

Ambry Genetics
Classification: Uncertain significance. Last evaluated: 2025-11-12. Review status: criteria provided, single submitter. Criteria: Ambry Variant Classification Scheme 2023. Collection method: clinical testing. Allele origin: germline.

Labcorp Genetics (formerly Invitae), Labcorp
Classification: Uncertain significance. Last evaluated: 2022-07-04. Review status: criteria provided, single submitter. Criteria: Invitae Variant Classification Sherloc (09022015). Collection method: clinical testing. Allele origin: germline.
Comment: Algorithms developed to predict the effect of missense changes on protein structure and function are either unavailable or do not agree on the potential impact of this missense change (SIFT: "Tolerated"; PolyPhen-2: "Probably Damaging"; Align-GVGD: "Class C0"). In summary, the available evidence is currently insufficient to determine the role of this variant in disease. Therefore, it has been classified as a Variant of Uncertain Significance. This variant has not been reported in the literature in individuals affected with HMCN1-related conditions. This sequence change replaces valine, which is neutral and non-polar, with isoleucine, which is neutral and non-polar, at codon 4510 of the HMCN1 protein (p.Val4510Ile). This variant is present in population databases (rs184207567, gnomAD 0.01%).